The following is an entry in ClinVar:

ClinVar aggregate classification (germline): Likely benign (1 of 4 stars; one submission).

Conditions:
F8-related disorder. Also called: F8-related condition.

Submission:

PreventionGenetics, part of Exact Sciences
Classification: Likely benign for F8-related condition. Last evaluated: 2026-01-29. Review status: criteria provided, single submitter. Criteria: ACMG Guidelines, 2015. Collection method: clinical testing. Allele origin: germline.
Comment: This variant is classified as likely benign based on ACMG/AMP sequence variant interpretation guidelines (Richards et al. 2015 PMID: 25741868, with internal and published modifications).

NM_000132.4(F8):c.2113+470_2113+473del

Gene: F8 (coagulation factor VIII; minus strand). Cytogenetic location: Xq28.
Variant type: Deletion.
Coding change: c.2113+470_2113+473del on transcript NM_000132.4 (MANE Select); bases 470 to 473 of the intron after coding-DNA position 2113, 4 bases deleted (TTTT; older notation c.2113+470_2113+473delTTTT).
Molecular consequence: intron variant.
Genome position (GRCh38, 1-based): chrX:154,947,225-154,947,228, AAAA deleted on the plus strand (TTTT on the coding strand, the reverse complement: F8 is on the minus strand); deleting any 4 consecutive bases within chrX:154,947,225-154,947,249 gives the same sequence; the c. name uses the placement nearest the transcript's 3' end. VCF-style (leftmost placement, unchanged base first): chrX-154947224-GAAAA-G. GRCh37 (hg19) VCF-style: chrX-154175499-GAAAA-G.
Identifiers: ClinVar variation 4988568 (VCV004988568.1).
Genomic context (GRCh38, chrX:154,947,224, plus strand): 5'-GCAGTGAGCCGAGATCGTGCCACCGCACTCCAGCCTGGGCTACAGAGCGAGACTCCGTCT[GAAAA>G]AAAAAAAAAAAAAAAAAAAAAGAAGACATACAAATGGCCAACAAGTATATGAAAAACTGC-3'